The following is an entry in ClinVar:

NM_016302.4(CRBN):c.433C>T (p.Arg145Ter)

Gene: CRBN (cereblon; minus strand). Cytogenetic location: 3p26.2.
Variant type: single nucleotide variant.
Coding change: c.433C>T on transcript NM_016302.4 (MANE Select); coding-DNA position 433, C replaced by T.
Protein change: p.Arg145Ter; replaces arginine 145 with a stop codon.
Molecular consequence: nonsense.
Genome position (GRCh38, 1-based): chr3:3,172,870, G>A on the plus strand (C>T on the coding strand, the complement: CRBN is on the minus strand). VCF-style: chr3-3172870-G-A. GRCh37 (hg19) VCF-style: chr3-3214554-G-A.
Other names: c.433C>T (NM_016302.2); c.430C>T, p.Arg144Ter (NM_001173482.1); short protein forms R144*, R145*.
Identifiers: ClinVar variation 1032731 (VCV001032731.2), dbSNP rs1302797003, ClinGen allele CA351453081.
Genomic context (GRCh38, chr3:3,172,870, plus strand): 5'-ACCTTTGTCTTCCAATTGCTTTCACTTTCACTATCTCAATTCCAAAATCCTGTTCTTCTC[G>A]ATAGGCATATATCTCTGCTGTTGTTCCAAACTGTGCTTCCCTTTCCTGTACATTGCTTCC-3'

ClinVar aggregate classification (germline): Pathogenic. Review status: criteria provided, multiple submitters, no conflicts (2 of 4 stars). 2 submissions from 2 submitters: Pathogenic (2). Last evaluated 2023-02-25.

Conditions:
Intellectual developmental disorder, autosomal recessive 2. Also called: MENTAL RETARDATION, AUTOSOMAL RECESSIVE 2A; Intellectual disability, autosomal recessive 2. Identifiers: Orphanet 88616, MedGen C1843942, MONDO:0011828, OMIM 607417.

Allele frequency attached by ClinVar (database versions not stated): gnomAD exomes 0.00001.

Submissions (2):

GeneDx
Classification: Pathogenic. Last evaluated: 2023-02-25. Review status: criteria provided, single submitter. Criteria: GeneDx Variant Classification Process June 2021. Collection method: clinical testing. Allele origin: germline. Affected: yes.
Comment: Nonsense variant predicted to result in protein truncation or nonsense mediated decay in a gene for which loss of function is a known mechanism of disease; Not observed at significant frequency in large population cohorts (gnomAD); Has not been previously published as pathogenic or benign to our knowledge

Baylor Genetics
Classification: Pathogenic for Intellectual developmental disorder, autosomal recessive 2. Last evaluated: 2018-11-08. Review status: criteria provided, single submitter. Criteria: ACMG Guidelines, 2015. Collection method: clinical testing. Allele origin: paternal. Affected: yes.
Comment: This variant was determined to be pathogenic according to ACMG Guidelines, 2015 [PMID:25741868].